The following is an entry in ClinVar:

NM_001134407.3(GRIN2A):c.940C>G (p.Pro314Ala)

Gene: GRIN2A (glutamate ionotropic receptor NMDA type subunit 2A; minus strand). Cytogenetic location: 16p13.2.
Variant type: single nucleotide variant.
Coding change: c.940C>G on transcript NM_001134407.3 (MANE Select); coding-DNA position 940, C replaced by G.
Protein change: p.Pro314Ala; replaces proline 314 with alanine.
Molecular consequence: missense variant.
Genome position (GRCh38, 1-based): chr16:9,938,026, G>C on the plus strand (C>G on the coding strand, the complement: GRIN2A is on the minus strand). VCF-style: chr16-9938026-G-C. GRCh37 (hg19) VCF-style: chr16-10031883-G-C.
Other names: c.940C>G, p.Pro314Ala (NM_000833.5, NM_001134408.2); short protein forms P314A.
Identifiers: ClinVar variation 3767645 (VCV003767645.1).

ClinVar aggregate classification (germline): Uncertain significance (1 of 4 stars; one submission).

Submission:

GeneDx
Classification: Uncertain significance. Last evaluated: 2024-09-04. Review status: criteria provided, single submitter. Criteria: GeneDx Variant Classification Process June 2021. Collection method: clinical testing. Allele origin: germline. Affected: yes.
Comment: Not observed at significant frequency in large population cohorts (gnomAD); In silico analysis supports that this missense variant has a deleterious effect on protein structure/function; Has not been previously published as pathogenic or benign to our knowledge